The following is an entry in ClinVar:

NM_005857.5(ZMPSTE24):c.794A>G (p.Asn265Ser)

Gene: ZMPSTE24 (zinc metallopeptidase STE24; plus strand). Cytogenetic location: 1p34.2.
Variant type: single nucleotide variant.
Coding change: c.794A>G on transcript NM_005857.5 (MANE Select); coding-DNA position 794, A replaced by G.
Protein change: p.Asn265Ser; replaces asparagine 265 with serine.
Molecular consequence: missense variant.
Genome position (GRCh38, 1-based): chr1:40,281,367, A>G. VCF-style: chr1-40281367-A-G. GRCh37 (hg19) VCF-style: chr1-40747039-A-G.
Other names: c.794A>G (LRG_212t1); short protein forms N265S.
Identifiers: ClinVar variation 140540 (VCV000140540.20), dbSNP rs281875371, ClinGen allele CA232765.

ClinVar aggregate classification (germline): Pathogenic. Review status: criteria provided, multiple submitters, no conflicts (2 of 4 stars). 3 submissions from 3 submitters: Pathogenic (2). 1 of the submissions does not count toward it. Last evaluated 2025-12-21.

Allele frequency attached by ClinVar (database versions not stated): gnomAD exomes 0.00001 and 0.00002; TOPMed 0.00001; gnomAD 0.00002 and 0.00003.
gnomAD v4.1: 33 of 1,614,006 alleles (0.002%); highest among the groups gnomAD compares: Non-Finnish European, 0.0026%; no homozygotes.

Submissions (3):

Labcorp Genetics (formerly Invitae), Labcorp
Classification: Pathogenic. Last evaluated: 2025-12-21. Review status: criteria provided, single submitter. Criteria: Invitae Variant Classification Sherloc (09022015). Collection method: clinical testing. Allele origin: germline.
Comment: This sequence change replaces asparagine, which is neutral and polar, with serine, which is neutral and polar, at codon 265 of the ZMPSTE24 protein (p.Asn265Ser). This variant is present in population databases (rs281875371, gnomAD 0.003%). This missense change has been observed in individual(s) with mandibuloacral dysplasia with lipodystrophy (PMID: 15937076, 17152860, 25629449, 30919593). In at least one individual the data is consistent with being in trans (on the opposite chromosome) from a pathogenic variant. ClinVar contains an entry for this variant (Variation ID: 140540). Invitae Evidence Modeling of protein sequence and biophysical properties (such as structural, functional, and spatial information, amino acid conservation, physicochemical variation, residue mobility, and thermodynamic stability) has been performed for this missense variant. However, the output from this modeling did not meet the statistical confidence thresholds required to predict the impact of this variant on ZMPSTE24 protein function. Experimental studies have shown that this missense change affects ZMPSTE24 function (PMID: 17152860, 22718200). For these reasons, this variant has been classified as Pathogenic.

CeGaT Center for Human Genetics Tuebingen
Classification: Pathogenic. Last evaluated: 2024-11-01. Review status: criteria provided, single submitter. Criteria: CeGaT Center For Human Genetics Tuebingen Variant Classification Criteria Version 2. Collection method: clinical testing. Allele origin: germline. Affected: yes. Observed: 1 variant allele.
Comment: ZMPSTE24: PM3:Very Strong, PM2, PS3:Supporting

ZMPSTE24 homepage - Leiden Muscular Dystrophy pages
No classification provided. Review status: no classification provided. Collection method: not provided. Allele origin: germline. Not counted in ClinVar's aggregate classification.
Comment: probably has functional consequence

Literature cited by the submitters: PubMed 15937076 (cited by Labcorp Genetics (formerly Invitae), Labcorp); PubMed 17152860 (cited by Labcorp Genetics (formerly Invitae), Labcorp); PubMed 25629449 (cited by Labcorp Genetics (formerly Invitae), Labcorp); PubMed 30919593 (cited by Labcorp Genetics (formerly Invitae), Labcorp); PubMed 22718200 (cited by Labcorp Genetics (formerly Invitae), Labcorp).